The following is an entry in ClinVar:

ClinVar aggregate classification (germline): Uncertain significance (1 of 4 stars; one submission).

Conditions:
Congenital muscular dystrophy due to integrin alpha-7 deficiency. Also called: Congenital muscular dystrophy with integrin alpha-7 deficiency; Muscular dystrophy, congenital, due to ITGA7 deficiency; MYOPATHY, CONGENITAL, DUE TO INTEGRIN ALPHA-7 DEFICIENCY. Identifiers: Orphanet 34520, MedGen C2750786, MONDO:0013177, OMIM 613204.

Submission:

Labcorp Genetics (formerly Invitae), Labcorp
Classification: Uncertain significance for Congenital muscular dystrophy due to integrin alpha-7 deficiency. Last evaluated: 2022-07-12. Review status: criteria provided, single submitter. Criteria: Invitae Variant Classification Sherloc (09022015). Collection method: clinical testing. Allele origin: germline.
Comment: This sequence change falls in intron 1 of the ITGA7 gene. It does not directly change the encoded amino acid sequence of the ITGA7 protein. It affects a nucleotide within the consensus splice site. This variant is not present in population databases (gnomAD no frequency). This variant has not been reported in the literature in individuals affected with ITGA7-related conditions. ClinVar contains an entry for this variant (Variation ID: 1461658). Variants that disrupt the consensus splice site are a relatively common cause of aberrant splicing (PMID: 17576681, 9536098). Algorithms developed to predict the effect of sequence changes on RNA splicing suggest that this variant is not likely to affect RNA splicing. In summary, the available evidence is currently insufficient to determine the role of this variant in disease. Therefore, it has been classified as a Variant of Uncertain Significance.

Literature cited by the submitters: PubMed 17576681; PubMed 9536098.

NM_002206.3(ITGA7):c.206+3G>A

Gene: ITGA7 (integrin subunit alpha 7; minus strand). Cytogenetic location: 12q13.2.
Variant type: single nucleotide variant.
Coding change: c.206+3G>A on transcript NM_002206.3 (MANE Select); 3 bases into the intron after coding-DNA position 206, G replaced by A.
Molecular consequence: intron variant.
Genome position (GRCh38, 1-based): chr12:55,707,474, C>T on the plus strand (G>A on the coding strand, the complement: ITGA7 is on the minus strand). VCF-style: chr12-55707474-C-T. GRCh37 (hg19) VCF-style: chr12-56101258-C-T.
Other names: c.85+4589G>A (NM_001144997.2); c.-133-4296G>A (NM_001367993.1, NM_001414035.1); c.206+3G>A (NM_001414033.1, NM_001414032.1, NM_001414031.1 and 6 more transcripts); c.-967+3G>A (NM_001367994.1).
Identifiers: ClinVar variation 1461658 (VCV001461658.3), dbSNP rs2136101710, ClinGen allele CA2573148795.